The following is an entry in ClinVar:

ClinVar aggregate classification (germline): Uncertain significance. Review status: criteria provided, multiple submitters, no conflicts (2 of 4 stars). 2 submissions from 2 submitters: Uncertain significance (2). Last evaluated 2021-10-07.

Conditions:
Seizures, benign familial infantile, 5 (BFIS5). Also called: CONVULSIONS, BENIGN FAMILIAL INFANTILE, 5. Identifiers: Orphanet 306, MedGen C4310728, MONDO:0014903, OMIM 617080.
Early-infantile DEE. Also called: Early infantile epileptic encephalopathy; Ohtahara syndrome; Early infantile epileptic encephalopathy with suppression bursts. Identifiers: Orphanet 1934, MedGen C0393706, MONDO:0800491.

Allele frequency attached by ClinVar (database versions not stated): gnomAD exomes below 0.00001.
gnomAD v4.1: 1 of 1,613,690 alleles (0.000062%); highest among the groups gnomAD compares: Non-Finnish European, 0.000085%; no homozygotes.

Submissions (2):

Labcorp Genetics (formerly Invitae), Labcorp
Classification: Uncertain significance for Early-infantile DEE. Last evaluated: 2021-10-07. Review status: criteria provided, single submitter. Criteria: Invitae Variant Classification Sherloc (09022015). Collection method: clinical testing. Allele origin: germline.
Comment: In summary, the available evidence is currently insufficient to determine the role of this variant in disease. Therefore, it has been classified as a Variant of Uncertain Significance. This sequence change creates a premature translational stop signal (p.Gln1958*) in the SCN8A gene. While this is not anticipated to result in nonsense mediated decay, it is expected to disrupt the last 23 amino acid(s) of the SCN8A protein. This variant is not present in population databases (ExAC no frequency). This variant has not been reported in the literature in individuals affected with SCN8A-related conditions. Experimental studies and prediction algorithms are not available or were not evaluated, and the functional significance of this variant is currently unknown.

Institute of Human Genetics, University Hospital of Duesseldorf
Classification: Uncertain significance for Seizures, benign familial infantile, 5. Review status: criteria provided, single submitter. Criteria: ACMG Guidelines, 2015. Collection method: not provided. Allele origin: germline. Inheritance: Autosomal dominant inheritance. Affected: yes.

NM_001330260.2(SCN8A):c.5872C>T (p.Gln1958Ter)

Gene: SCN8A (sodium voltage-gated channel alpha subunit 8; plus strand). Cytogenetic location: 12q13.13.
Variant type: single nucleotide variant.
Coding change: c.5872C>T on transcript NM_001330260.2 (MANE Select); coding-DNA position 5872, C replaced by T.
Protein change: p.Gln1958Ter; replaces glutamine 1958 with a stop codon.
Molecular consequence: nonsense.
Genome position (GRCh38, 1-based): chr12:51,807,358, C>T. VCF-style: chr12-51807358-C-T. GRCh37 (hg19) VCF-style: chr12-52201142-C-T.
Other names: c.5749C>T, p.Gln1917Ter (NM_001177984.3, NM_001369788.1); c.5872C>T, p.Gln1958Ter (NM_014191.4); short protein forms Q1958*, Q1917*.
Identifiers: ClinVar variation 1440273 (VCV001440273.8), dbSNP rs1555231189, ClinGen allele CA384890145.